The following is an entry in ClinVar:

ClinVar aggregate classification (germline): Benign/Likely benign. Review status: criteria provided, multiple submitters, no conflicts (2 of 4 stars). 3 submissions from 3 submitters: Benign (1); Likely benign (1). 1 of the submissions does not count toward it. Last evaluated 2025-10-26.

Conditions:
KDM6A-related disorder. Also called: KDM6A-related condition.
Kabuki syndrome 2 (KABUK2). Also called: KDM6A-Related Kabuki Syndrome. Identifiers: Orphanet 2322, MedGen C3275495, MONDO:0010465, OMIM 300867.

Allele frequency attached by ClinVar (database versions not stated): gnomAD 0.00005 and 0.00007; ExAC 0.00006; gnomAD exomes 0.00007; TOPMed 0.00011.
gnomAD v4.1: 40 of 1,209,765 alleles (0.0033%); highest among the groups gnomAD compares: Middle Eastern, 0.023%; no homozygotes.

Submissions (3):

Labcorp Genetics (formerly Invitae), Labcorp
Classification: Benign for Kabuki syndrome 2. Last evaluated: 2025-10-26. Review status: criteria provided, single submitter. Criteria: Invitae Variant Classification Sherloc (09022015). Collection method: clinical testing. Allele origin: germline.

GeneDx
Classification: Likely benign. Last evaluated: 2020-09-01. Review status: criteria provided, single submitter. Criteria: GeneDx Variant Classification Process June 2021. Collection method: clinical testing. Allele origin: germline. Affected: yes.

PreventionGenetics, part of Exact Sciences
Classification: Likely benign for KDM6A-related condition. Last evaluated: 2022-05-17. Review status: no assertion criteria provided. Collection method: clinical testing. Allele origin: germline. Not counted in ClinVar's aggregate classification.
Comment: This variant is classified as likely benign based on ACMG/AMP sequence variant interpretation guidelines (Richards et al. 2015 PMID: 25741868, with internal and published modifications).

NM_001291415.2(KDM6A):c.1812C>T (p.Ser604=)

Gene: KDM6A (lysine demethylase 6A; plus strand). Cytogenetic location: Xp11.3.
Variant type: single nucleotide variant.
Coding change: c.1812C>T on transcript NM_001291415.2 (MANE Select); coding-DNA position 1812, C replaced by T.
Protein change: p.Ser604=; no amino-acid change (serine 604 retained).
Molecular consequence: synonymous variant. On other transcripts: non-coding transcript variant (1).
Genome position (GRCh38, 1-based): chrX:45,063,550, C>T. VCF-style: chrX-45063550-C-T. GRCh37 (hg19) VCF-style: chrX-44922795-C-T.
Other names: c.1677C>T, p.Ser559= (NM_001291416.2); c.1521C>T, p.Ser507= (NM_001291417.2); c.1419C>T, p.Ser473= (NM_001291418.2); c.768C>T, p.Ser256= (NM_001291421.2); c.1656C>T, p.Ser552= (NM_021140.4).
Identifiers: ClinVar variation 766461 (VCV000766461.11), dbSNP rs776420271, ClinGen allele CA10392420.